The following is an entry in ClinVar:

ClinVar aggregate classification (germline): Uncertain significance. Review status: criteria provided, multiple submitters, no conflicts (2 of 4 stars). 2 submissions from 2 submitters: Uncertain significance (2). Last evaluated 2025-04-20.

Submissions (2):

GeneDx
Classification: Uncertain significance. Last evaluated: 2025-04-20. Review status: criteria provided, single submitter. Criteria: GeneDx Variant Classification Process June 2021. Collection method: clinical testing. Allele origin: germline. Affected: yes.
Comment: Not observed at significant frequency in large population cohorts (gnomAD); In silico analysis indicates that this missense variant does not alter protein structure/function; Has not been previously published as pathogenic or benign to our knowledge

Labcorp Genetics (formerly Invitae), Labcorp
Classification: Uncertain significance. Last evaluated: 2024-11-05. Review status: criteria provided, single submitter. Criteria: Invitae Variant Classification Sherloc (09022015). Collection method: clinical testing. Allele origin: germline.
Comment: This sequence change replaces serine, which is neutral and polar, with asparagine, which is neutral and polar, at codon 15 of the PNPLA8 protein (p.Ser15Asn). This variant is not present in population databases (gnomAD no frequency). This variant has not been reported in the literature in individuals affected with PNPLA8-related conditions. ClinVar contains an entry for this variant (Variation ID: 1976728). An algorithm developed to predict the effect of missense changes on protein structure and function outputs the following: PolyPhen-2: "Benign". The asparagine amino acid residue is found in multiple mammalian species, which suggests that this missense change does not adversely affect protein function. In summary, the available evidence is currently insufficient to determine the role of this variant in disease. Therefore, it has been classified as a Variant of Uncertain Significance.

NM_001256007.3(PNPLA8):c.44G>A (p.Ser15Asn)

Gene: PNPLA8 (patatin like domain 8, phospholipase A2; minus strand). Cytogenetic location: 7q31.1.
Variant type: single nucleotide variant.
Coding change: c.44G>A on transcript NM_001256007.3 (MANE Select); coding-DNA position 44, G replaced by A.
Protein change: p.Ser15Asn; replaces serine 15 with asparagine.
Molecular consequence: missense variant. On other transcripts: splice acceptor variant (2).
Genome position (GRCh38, 1-based): chr7:108,515,448, C>T on the plus strand (G>A on the coding strand, the complement: PNPLA8 is on the minus strand). VCF-style: chr7-108515448-C-T. GRCh37 (hg19) VCF-style: chr7-108155892-C-T.
Other names: c.44G>A (NM_015723.4); c.44G>A, p.Ser15Asn (NM_001256008.3, NM_001256009.3, NM_015723.5); c.-256-1G>A (NM_001256011.3, NM_001256010.3); short protein forms S15N.
Identifiers: ClinVar variation 1976728 (VCV001976728.6), dbSNP rs2552117902, ClinGen allele CA368899726.
Genomic context (GRCh38, chr7:108,515,448, plus strand): 5'-GGTGAGAACAAGAAATACAGTTGCTTGCTTCTCTGCTTCCCACAAACACTTCTTGCATTA[C>T]TAAGGAGGTAAATATATATATCTACAGTCAGATTAATAGACATAACTTAAAAATCATTTA-3'
Protein context (NP_001242936.1, residues 5-25): LTVDIYIYLL[Ser15Asn]NARSVCGKQR